The following is an entry in ClinVar:

NM_001079802.2(FKTN):c.976G>A (p.Asp326Asn)

Gene: FKTN (fukutin; plus strand). Cytogenetic location: 9q31.2.
Variant type: single nucleotide variant.
Coding change: c.976G>A on transcript NM_001079802.2 (MANE Select); coding-DNA position 976, G replaced by A.
Protein change: p.Asp326Asn; replaces aspartic acid 326 with asparagine.
Molecular consequence: missense variant. On other transcripts: non-coding transcript variant (1).
Genome position (GRCh38, 1-based): chr9:105,618,024, G>A. VCF-style: chr9-105618024-G-A. GRCh37 (hg19) VCF-style: chr9-108380305-G-A.
Other names: c.976G>A, p.Asp326Asn (NM_001198963.2, NM_001351496.2, NM_001351498.2 and 1 more transcripts); c.907G>A, p.Asp303Asn (NM_001351497.2); c.580G>A, p.Asp194Asn (NM_001351499.2, NM_001351500.2, NM_001351501.2 and 1 more transcripts); short protein forms D194N, D303N, D326N.
Identifiers: ClinVar variation 1910621 (VCV001910621.5), dbSNP rs2133162066, ClinGen allele CA374377524.

ClinVar aggregate classification (germline): Uncertain significance (1 of 4 stars; one submission).

Conditions:
Walker-Warburg congenital muscular dystrophy. Also called: Muscular dystrophy-dystroglycanopathy, type A; Walker-Warburg syndrome. Identifiers: Orphanet 899, MedGen C0265221, MONDO:0000171.

Submission:

Labcorp Genetics (formerly Invitae), Labcorp
Classification: Uncertain significance for Walker-Warburg congenital muscular dystrophy. Last evaluated: 2022-02-19. Review status: criteria provided, single submitter. Criteria: Invitae Variant Classification Sherloc (09022015). Collection method: clinical testing. Allele origin: germline.
Comment: In summary, the available evidence is currently insufficient to determine the role of this variant in disease. Therefore, it has been classified as a Variant of Uncertain Significance. Algorithms developed to predict the effect of sequence changes on RNA splicing suggest that this variant may create or strengthen a splice site. Algorithms developed to predict the effect of missense changes on protein structure and function are either unavailable or do not agree on the potential impact of this missense change (SIFT: "Tolerated"; PolyPhen-2: "Probably Damaging"; Align-GVGD: "Class C0"). This variant has not been reported in the literature in individuals affected with FKTN-related conditions. This variant is not present in population databases (gnomAD no frequency). This sequence change replaces aspartic acid, which is acidic and polar, with asparagine, which is neutral and polar, at codon 326 of the FKTN protein (p.Asp326Asn).